The following is an entry in ClinVar:

NM_022436.3(ABCG5):c.33G>T (p.Gly11=)

Gene: ABCG5 (ATP binding cassette subfamily G member 5; minus strand). Cytogenetic location: 2p21.
Variant type: single nucleotide variant.
Coding change: c.33G>T on transcript NM_022436.3 (MANE Select); coding-DNA position 33, G replaced by T.
Protein change: p.Gly11=; no amino-acid change (glycine 11 retained).
Molecular consequence: synonymous variant.
Genome position (GRCh38, 1-based): chr2:43,838,647, C>A on the plus strand (G>T on the coding strand, the complement: ABCG5 is on the minus strand). VCF-style: chr2-43838647-C-A. GRCh37 (hg19) VCF-style: chr2-44065786-C-A.
Identifiers: ClinVar variation 744972 (VCV000744972.8), dbSNP rs200471843, ClinGen allele CA1636816.

ClinVar aggregate classification (germline): Likely benign. Review status: criteria provided, multiple submitters, no conflicts (2 of 4 stars). 3 submissions from 3 submitters: Likely benign (3). Last evaluated 2026-06-29.

Conditions:
Sitosterolemia (STSL). Also called: PHYTOSTEROLEMIA. Identifiers: Orphanet 2882, MedGen C0342907, MONDO:0008863.
ABCG5-related disorder. Also called: ABCG5-related condition.
Cardiovascular phenotype. Identifiers: MedGen CN230736.

Allele frequency attached by ClinVar (database versions not stated): gnomAD 0.00001 and 0.00003; TOPMed 0.00011; gnomAD exomes 0.00012; 1000 Genomes Project 30x 0.00016; ExAC 0.00016; 1000 Genomes Project 0.00020.
gnomAD v4.1: 37 of 1,613,682 alleles (0.0023%); highest among the groups gnomAD compares: East Asian, 0.083%; no homozygotes.

Submissions (3):

PreventionGenetics, part of Exact Sciences
Classification: Likely benign for ABCG5-related condition. Last evaluated: 2026-06-29. Review status: criteria provided, single submitter. Criteria: ACMG Guidelines, 2015. Collection method: clinical testing. Allele origin: germline.
Comment: This variant is classified as likely benign based on ACMG/AMP sequence variant interpretation guidelines (Richards et al. 2015 PMID: 25741868, with internal and published modifications).

Labcorp Genetics (formerly Invitae), Labcorp
Classification: Likely benign for Sitosterolemia. Last evaluated: 2025-12-13. Review status: criteria provided, single submitter. Criteria: Invitae Variant Classification Sherloc (09022015). Collection method: clinical testing. Allele origin: germline.

Ambry Genetics
Classification: Likely benign for Cardiovascular phenotype. Last evaluated: 2020-09-06. Review status: criteria provided, single submitter. Criteria: Ambry Variant Classification Scheme 2023. Collection method: clinical testing. Allele origin: germline.